The following is an entry in ClinVar:

ClinVar aggregate classification (germline): Uncertain significance (1 of 4 stars; one submission).

Allele frequency attached by ClinVar (database versions not stated): gnomAD exomes below 0.00001.

Submission:

Greenwood Genetic Center Diagnostic Laboratories, Greenwood Genetic Center
Classification: Uncertain significance. Last evaluated: 2024-03-21. Review status: criteria provided, single submitter. Criteria: ACMG Guidelines, 2015. Collection method: clinical testing. Allele origin: germline. Affected: yes.
Comment: PM2

NM_001377137.1(GBF1):c.5350G>A (p.Gly1784Arg)

Gene: GBF1 (golgi brefeldin A resistant guanine nucleotide exchange factor 1; plus strand). Cytogenetic location: 10q24.32.
Variant type: single nucleotide variant.
Coding change: c.5350G>A on transcript NM_001377137.1 (MANE Select); coding-DNA position 5350, G replaced by A.
Protein change: p.Gly1784Arg; replaces glycine 1784 with arginine.
Molecular consequence: missense variant. On other transcripts: non-coding transcript variant (5).
Genome position (GRCh38, 1-based): chr10:102,382,103, G>A. VCF-style: chr10-102382103-G-A. GRCh37 (hg19) VCF-style: chr10-104141860-G-A.
Other names: c.5338G>A, p.Gly1780Arg (NM_001199378.2, NM_001391923.1); c.5335G>A, p.Gly1779Arg (NM_001199379.2, NM_001391924.1); c.5299G>A, p.Gly1767Arg (NM_001377138.1); c.5053G>A, p.Gly1685Arg (NM_001377139.1, NM_001391930.1); c.5041G>A, p.Gly1681Arg (NM_001377140.1); c.5347G>A, p.Gly1783Arg (NM_001377141.1, NM_004193.3); c.5434G>A, p.Gly1812Arg (NM_001391922.1); c.5311G>A, p.Gly1771Arg (NM_001391925.1); and 7 more; short protein forms G1653R, G1681R, G1685R, G1700R, G1732R, G1736R, G1767R, G1768R.
Identifiers: ClinVar variation 3235808 (VCV003235808.1), dbSNP rs1420219319, ClinGen allele CA377894722.